The following is an entry in ClinVar:

NM_198834.3(ACACA):c.1826+3G>A

Gene: ACACA (acetyl-CoA carboxylase alpha; minus strand). Cytogenetic location: 17q12.
Variant type: single nucleotide variant.
Coding change: c.1826+3G>A on transcript NM_198834.3 (MANE Select); 3 bases into the intron after coding-DNA position 1826, G replaced by A.
Molecular consequence: intron variant.
Genome position (GRCh38, 1-based): chr17:37,257,700, C>T on the plus strand (G>A on the coding strand, the complement: ACACA is on the minus strand). VCF-style: chr17-37257700-C-T. GRCh37 (hg19) VCF-style: chr17-35614622-C-T.
Other names: c.1715+3G>A (NM_198839.3, NM_198836.3); c.1541+3G>A (NM_198837.2); c.1481+3G>A (NM_198838.2).
Identifiers: ClinVar variation 4804507 (VCV004804507.1).
Genomic context (GRCh38, chr17:37,257,700, plus strand): 5'-ACCTTCACTTAAGATTAGCACAAATTTATTTTGTAAAATGCAATCAAATGCTATTATACT[C>T]ACGAAATTGCCTCTTCTCTGTTTTCTCCCCAAGAAAAGCAGTGACCAAACTGAGAATCAG-3'

ClinVar aggregate classification (germline): Uncertain significance (1 of 4 stars; one submission).

Submission:

Labcorp Genetics (formerly Invitae), Labcorp
Classification: Uncertain significance. Last evaluated: 2025-04-22. Review status: criteria provided, single submitter. Criteria: Invitae Variant Classification Sherloc (09022015). Collection method: clinical testing. Allele origin: germline.
Comment: This sequence change falls in intron 18 of the ACACA gene. It does not directly change the encoded amino acid sequence of the ACACA protein. It affects a nucleotide within the consensus splice site. This variant is not present in population databases (gnomAD no frequency). This variant has not been reported in the literature in individuals affected with ACACA-related conditions. Variants that disrupt the consensus splice site are a relatively common cause of aberrant splicing (PMID: 17576681, 9536098). Algorithms developed to predict the effect of sequence changes on RNA splicing suggest that this variant is not likely to affect RNA splicing. In summary, the available evidence is currently insufficient to determine the role of this variant in disease. Therefore, it has been classified as a Variant of Uncertain Significance.

Literature cited by the submitters: PubMed 17576681; PubMed 9536098.